The following is an entry in ClinVar:

ClinVar aggregate classification (germline): Uncertain significance. Review status: criteria provided, multiple submitters, no conflicts (2 of 4 stars). 3 submissions from 3 submitters: Uncertain significance (2). 1 of the submissions does not count toward it. Last evaluated 2025-11-11.

Conditions:
Hereditary cancer-predisposing syndrome. Also called: Neoplastic Syndromes, Hereditary; Hereditary Cancer Syndrome; Tumor predisposition; Hereditary neoplastic syndrome. Identifiers: Orphanet 140162, MedGen C0027672, MeSH D009386, MONDO:0015356.
Bloom syndrome (BLM). Also called: Bloom-Torre-Machacek syndrome. Identifiers: Orphanet 125, MedGen C0005859, MONDO:0008876, OMIM 210900.

Submissions (3):

Labcorp Genetics (formerly Invitae), Labcorp
Classification: Uncertain significance for Bloom syndrome. Last evaluated: 2025-11-11. Review status: criteria provided, single submitter. Criteria: Invitae Variant Classification Sherloc (09022015). Collection method: clinical testing. Allele origin: germline.
Comment: This sequence change replaces alanine, which is neutral and non-polar, with threonine, which is neutral and polar, at codon 538 of the BLM protein (p.Ala538Thr). This variant is not present in population databases (gnomAD no frequency). This variant has not been reported in the literature in individuals affected with BLM-related conditions. ClinVar contains an entry for this variant (Variation ID: 970161). Invitae Evidence Modeling of protein sequence and biophysical properties (such as structural, functional, and spatial information, amino acid conservation, physicochemical variation, residue mobility, and thermodynamic stability) indicates that this missense variant is not expected to disrupt BLM protein function with a negative predictive value of 80%. In summary, the available evidence is currently insufficient to determine the role of this variant in disease. Therefore, it has been classified as a Variant of Uncertain Significance.

Ambry Genetics
Classification: Uncertain significance for Hereditary cancer-predisposing syndrome. Last evaluated: 2025-01-14. Review status: criteria provided, single submitter. Criteria: Ambry Variant Classification Scheme 2023. Collection method: clinical testing. Allele origin: germline.
Comment: The p.A538T variant (also known as c.1612G>A), located in coding exon 6 of the BLM gene, results from a G to A substitution at nucleotide position 1612. The alanine at codon 538 is replaced by threonine, an amino acid with similar properties. This amino acid position is conserved. In addition, this alteration is predicted to be tolerated by in silico analysis. Based on the available evidence, the clinical significance of this variant remains unclear.

Natera, Inc.
Classification: Uncertain significance for Bloom syndrome. Last evaluated: 2018-12-07. Review status: no assertion criteria provided. Collection method: clinical testing. Allele origin: germline. Not counted in ClinVar's aggregate classification.

NM_000057.4(BLM):c.1612G>A (p.Ala538Thr)

Gene: BLM (BLM RecQ like helicase; plus strand). Cytogenetic location: 15q26.1.
Variant type: single nucleotide variant.
Coding change: c.1612G>A on transcript NM_000057.4 (MANE Select); coding-DNA position 1612, G replaced by A.
Protein change: p.Ala538Thr; replaces alanine 538 with threonine.
Molecular consequence: missense variant.
Genome position (GRCh38, 1-based): chr15:90,760,985, G>A. VCF-style: chr15-90760985-G-A. GRCh37 (hg19) VCF-style: chr15-91304215-G-A.
Other names: c.1612G>A, p.Ala538Thr (NM_001287246.2, NM_001287247.2); c.487G>A, p.Ala163Thr (NM_001287248.2); c.1612G>A (NM_000057.2); short protein forms A163T, A538T.
Identifiers: ClinVar variation 970161 (VCV000970161.12), dbSNP rs1318049766, ClinGen allele CA393843444.